The following is an entry in ClinVar:

NM_003410.4(ZFX):c.1929G>A (p.Ser643=)

Gene: ZFX (zinc finger protein X-linked; plus strand). Cytogenetic location: Xp22.11.
Variant type: single nucleotide variant.
Coding change: c.1929G>A on transcript NM_003410.4 (MANE Select); coding-DNA position 1929, G replaced by A.
Protein change: p.Ser643=; no amino-acid change (serine 643 retained).
Molecular consequence: synonymous variant. On other transcripts: 3 prime UTR variant (1).
Genome position (GRCh38, 1-based): chrX:24,210,887, G>A. VCF-style: chrX-24210887-G-A. GRCh37 (hg19) VCF-style: chrX-24229004-G-A.
Other names: c.2046G>A, p.Ser682= (NM_001330327.2); c.1929G>A, p.Ser643= (NM_001178084.2, NM_001178085.1); c.1242G>A, p.Ser414= (NM_001178086.2); c.*689G>A (NM_001178095.2).
Identifiers: ClinVar variation 3904814 (VCV003904814.10).

ClinVar aggregate classification (germline): Likely benign (1 of 4 stars; one submission).

gnomAD v4.1: 48 of 1,208,117 alleles (0.004%); highest among the groups gnomAD compares: Non-Finnish European, 0.0049%; no homozygotes.

Submission:

CeGaT Center for Human Genetics Tuebingen
Classification: Likely benign. Last evaluated: 2026-09-01. Review status: criteria provided, single submitter. Criteria: CeGaT Center For Human Genetics Tuebingen Variant Classification Criteria Version 2. Collection method: clinical testing. Allele origin: germline. Affected: yes. Observed: 2 variant alleles.
Comment: ZFX: BP4, BP7, BS2